The following is an entry in ClinVar:

ClinVar aggregate classification (germline): Conflicting classifications of pathogenicity. Review status: criteria provided, conflicting classifications (1 of 4 stars). 6 submissions from 5 submitters: Uncertain significance (5); Benign (1). Last evaluated 2026-06-18.

Conditions:
Deficiency of steroid 11-beta-monooxygenase (CYP11B1). Also called: ADRENAL HYPERPLASIA, CONGENITAL, DUE TO STEROID 11-BETA-HYDROXYLASE DEFICIENCY; P450C11B1 DEFICIENCY; STEROID 11-BETA-HYDROXYLASE DEFICIENCY; Congenital adrenal hyperplasia due to 11-beta-hydroxylase deficiency; 11-BETA-HYDROXYLASE DEFICIENCY; ADRENAL HYPERPLASIA IV. Identifiers: Orphanet 90795, MedGen C0268292, MONDO:0008729, OMIM 202010. Disease mechanism: loss of function.
Glucocorticoid-remediable aldosteronism. Also called: Hyperaldosteronism, familial, type I; FH I; GLUCOCORTICOID-SUPPRESSIBLE HYPERALDOSTERONISM; ACTH-DEPENDENT HYPERALDOSTERONISM SYNDROME; ALDOSTERONISM, SENSITIVE TO DEXAMETHASONE. Identifiers: Orphanet 403, MedGen C3838731, MONDO:0007080, OMIM 103900.
CYP11B1-related disorder. Also called: CYP11B1-related condition.

Allele frequency attached by ClinVar (database versions not stated): TOPMed 0.00019; ESP Exome Variant Server 0.00046.
gnomAD v4.1: 567 of 1,613,722 alleles (0.035%); highest among the groups gnomAD compares: Non-Finnish European, 0.041%; no homozygotes.

Submissions (6):

PreventionGenetics, part of Exact Sciences
Classification: Uncertain significance for CYP11B1-related condition. Last evaluated: 2026-06-18. Review status: criteria provided, single submitter. Criteria: ACMG Guidelines, 2015. Collection method: clinical testing. Allele origin: germline.
Comment: The CYP11B1 c.542G>C variant is predicted to result in the amino acid substitution p.Arg181Pro. This variant has been reported in an individual with adrenal insufficiency; however, this individual was also found to have a hemizygous NR0B1 loss-of-function variant (Chan et al. 2015. PubMed ID: 26300845). This variant is reported in 0.026% of alleles in individuals of South Asian descent in gnomAD. This variant falls within a highly paralogous region. Allele frequency data should be interpreted with caution. At this time, the clinical significance of this variant is uncertain due to the absence of conclusive functional and genetic evidence.

GeneDx
Classification: Uncertain significance. Last evaluated: 2025-06-20. Review status: criteria provided, single submitter. Criteria: GeneDx Variant Classification Process June 2021. Collection method: clinical testing. Allele origin: germline. Affected: yes.
Comment: Observed as a single heterozygous variant in a patient with adrenal insufficiency in published literature, although this patient also had a variant in the NR0B1 gene that was considered causative for the phenotype (PMID: 26300845); In silico analysis supports that this missense variant has a deleterious effect on protein structure/function; This variant is associated with the following publications: (PMID: 2019Alimussina[poster], 26300845)

Labcorp Genetics (formerly Invitae), Labcorp
Classification: Uncertain significance. Last evaluated: 2024-06-22. Review status: criteria provided, single submitter. Criteria: Invitae Variant Classification Sherloc (09022015). Collection method: clinical testing. Allele origin: germline.
Comment: This sequence change replaces arginine, which is basic and polar, with proline, which is neutral and non-polar, at codon 181 of the CYP11B1 protein (p.Arg181Pro). This variant is present in population databases (rs146105017, gnomAD 0.03%). This variant has not been reported in the literature in individuals affected with CYP11B1-related conditions. ClinVar contains an entry for this variant (Variation ID: 912288). Advanced modeling of protein sequence and biophysical properties (such as structural, functional, and spatial information, amino acid conservation, physicochemical variation, residue mobility, and thermodynamic stability) performed at Invitae indicates that this missense variant is not expected to disrupt CYP11B1 protein function with a negative predictive value of 95%. In summary, the available evidence is currently insufficient to determine the role of this variant in disease. Therefore, it has been classified as a Variant of Uncertain Significance.

Fulgent Genetics
Classification: Uncertain significance for Glucocorticoid-remediable aldosteronism; Deficiency of steroid 11-beta-monooxygenase. Last evaluated: 2024-01-30. Review status: criteria provided, single submitter. Criteria: ACMG Guidelines, 2015. Collection method: clinical testing. Allele origin: germline.

Illumina Laboratory Services, Illumina
Classification: Uncertain significance for Deficiency of steroid 11-beta-monooxygenase. Last evaluated: 2017-04-28. Review status: criteria provided, single submitter. Criteria: ICSL Variant Classification Criteria 13 December 2019. Collection method: clinical testing. Allele origin: germline.
Comment: This variant was observed as part of a predisposition screen in an ostensibly healthy population. A literature search was performed for the gene, cDNA change, and amino acid change (where applicable). Publications were found based on this search. However, the evidence from the literature, in combination with allele frequency data from public databases where available, was not sufficient to rule this variant in or out of causing disease. Therefore, this variant is classified as a variant of unknown significance.

Illumina Laboratory Services, Illumina
Classification: Benign for Glucocorticoid-remediable aldosteronism. Last evaluated: 2017-04-28. Review status: criteria provided, single submitter. Criteria: ICSL Variant Classification Criteria 13 December 2019. Collection method: clinical testing. Allele origin: germline.
Comment: This variant was observed as part of a predisposition screen in an ostensibly healthy population. A literature search was performed for the gene, cDNA change, and amino acid change (where applicable). Publications were found based on this search. The evidence from the literature, in combination with allele frequency data from public databases where available, was sufficient to rule this variant out of causing disease. Therefore, this variant is classified as benign.

Literature cited by the submitters: PubMed 26300845 (cited by Illumina Laboratory Services, Illumina).

NM_000497.4(CYP11B1):c.542G>C (p.Arg181Pro)

Genes: CYP11B1 (cytochrome P450 family 11 subfamily B member 1; minus strand), LOC106799833 (CYP11B1 recombination region; plus strand). Cytogenetic location: 8q24.3.
Variant type: single nucleotide variant.
Coding change: c.542G>C on transcript NM_000497.4 (MANE Select); coding-DNA position 542, G replaced by C.
Protein change: p.Arg181Pro; replaces arginine 181 with proline.
Molecular consequence: missense variant.
Genome position (GRCh38, 1-based): chr8:142,877,076, C>G on the plus strand (G>C on the coding strand, the complement: CYP11B1 is on the minus strand). VCF-style: chr8-142877076-C-G. GRCh37 (hg19) VCF-style: chr8-143958492-C-G.
Other names: c.542G>C, p.Arg181Pro (NM_001026213.1); short protein forms R181P.
Identifiers: ClinVar variation 912288 (VCV000912288.9), dbSNP rs146105017, ClinGen allele CA4905410.